The following is an entry in ClinVar:

ClinVar aggregate classification (germline): Uncertain significance (1 of 4 stars; one submission).

gnomAD v4.1: 2 of 1,613,900 alleles (0.00012%); highest among the groups gnomAD compares: Non-Finnish European, 0.00017%; no homozygotes.

Submission:

Labcorp Genetics (formerly Invitae), Labcorp
Classification: Uncertain significance. Last evaluated: 2024-06-09. Review status: criteria provided, single submitter. Criteria: Invitae Variant Classification Sherloc (09022015). Collection method: clinical testing. Allele origin: germline.
Comment: This sequence change replaces glycine, which is neutral and non-polar, with serine, which is neutral and polar, at codon 166 of the MTMR14 protein (p.Gly166Ser). This variant is not present in population databases (gnomAD no frequency). This variant has not been reported in the literature in individuals affected with MTMR14-related conditions. An algorithm developed to predict the effect of missense changes on protein structure and function (PolyPhen-2) suggests that this variant is likely to be disruptive. In summary, the available evidence is currently insufficient to determine the role of this variant in disease. Therefore, it has been classified as a Variant of Uncertain Significance.

NM_001077525.3(MTMR14):c.496G>A (p.Gly166Ser)

Gene: MTMR14 (myotubularin related protein 14; plus strand). Cytogenetic location: 3p25.3.
Variant type: single nucleotide variant.
Coding change: c.496G>A on transcript NM_001077525.3 (MANE Select); coding-DNA position 496, G replaced by A.
Protein change: p.Gly166Ser; replaces glycine 166 with serine.
Molecular consequence: missense variant. On other transcripts: 5 prime UTR variant (10), non-coding transcript variant (6), intron variant (11).
Genome position (GRCh38, 1-based): chr3:9,669,434, G>A. VCF-style: chr3-9669434-G-A. GRCh37 (hg19) VCF-style: chr3-9711118-G-A.
Other names: c.496G>A, p.Gly166Ser (NM_001077526.3, NM_001400519.1, NM_001400520.1 and 4 more transcripts); c.565G>A, p.Gly189Ser (NM_001400518.1, NM_001400521.1, NM_001400526.1); c.214G>A, p.Gly72Ser (NM_001400525.1, NM_001400529.1, NM_001400532.1 and 1 more transcripts); c.-220G>A (NM_001400547.1, NM_001400548.1); c.-147G>A (NM_001400549.1, NM_001400534.1, NM_001400538.1 and 5 more transcripts); c.-88-1614G>A (NM_001400533.1, NM_001400539.1, NM_001400545.1 and 1 more transcripts); c.-161-1614G>A (NM_001400544.1, NM_001400550.1); c.309-1614G>A (NM_001400524.1, NM_001400527.1, NM_001400530.1 and 1 more transcripts); and 1 more; short protein forms G72S, G166S, G189S.
Identifiers: ClinVar variation 3695322 (VCV003695322.2).
Genomic context (GRCh38, chr3:9,669,434, plus strand): 5'-CCCTGTGTGGAGCCCTGGGTCACCAGCCTCAGTACTGACAGATAGGTTTCTCTGGCAGGG[G>A]GTGCAGATGATGCCTGGGCAGATGTGGAGGACGTCACGGAGGAGGACTGTGCTCTTCGGT-3'
Protein context (NP_001070993.1, residues 156-176): RSGYNYFFSG[Gly166Ser]ADDAWADVED